The following is an entry in ClinVar:

ClinVar aggregate classification (germline): Likely benign. Review status: criteria provided, multiple submitters, no conflicts (2 of 4 stars). 2 submissions from 2 submitters: Likely benign (2). Last evaluated 2025-11-25.

Conditions:
TTN-related disorder. Also called: TTN-related condition; TTN-related disease; TTN-related disorders.

Allele frequency attached by ClinVar (database versions not stated): TOPMed 0.00002; ExAC 0.00003; gnomAD exomes 0.00003; gnomAD 0.00004 and 0.00005; 1000 Genomes Project 30x 0.00031; 1000 Genomes Project 0.00040.
gnomAD v4.1: 16 of 1,614,126 alleles (0.00099%); highest among the groups gnomAD compares: African/African-American, 0.013%; no homozygotes.

Submissions (2):

PreventionGenetics, part of Exact Sciences
Classification: Likely benign for TTN-related condition. Last evaluated: 2025-11-25. Review status: criteria provided, single submitter. Criteria: ACMG Guidelines, 2015. Collection method: clinical testing. Allele origin: germline.
Comment: This variant is classified as likely benign based on ACMG/AMP sequence variant interpretation guidelines (Richards et al. 2015 PMID: 25741868, with internal and published modifications).

Labcorp Genetics (formerly Invitae), Labcorp
Classification: Likely benign. Last evaluated: 2017-09-28. Review status: criteria provided, single submitter. Criteria: Invitae Variant Classification Sherloc (09022015). Collection method: clinical testing. Allele origin: germline.

NM_001267550.2(TTN):c.914+9G>T

Gene: TTN (titin; minus strand). Cytogenetic location: 2q31.2.
Variant type: single nucleotide variant.
Coding change: c.914+9G>T on transcript NM_001267550.2 (MANE Select); 9 bases into the intron after coding-DNA position 914, G replaced by T.
Molecular consequence: intron variant.
Genome position (GRCh38, 1-based): chr2:178,799,478, C>A on the plus strand (G>T on the coding strand, the complement: TTN is on the minus strand). VCF-style: chr2-178799478-C-A. GRCh37 (hg19) VCF-style: chr2-179664205-C-A.
Other names: c.914+9G>T (NM_003319.4, NM_133437.4, NM_133432.3 and 3 more transcripts).
Identifiers: ClinVar variation 710929 (VCV000710929.4), dbSNP rs561976767, ClinGen allele CA2006195.